The following is an entry in ClinVar:

ClinVar aggregate classification (germline): Uncertain significance (1 of 4 stars; one submission).

gnomAD v4.1: 12 of 1,614,060 alleles (0.00074%); highest among the groups gnomAD compares: Non-Finnish European, 0.001%; no homozygotes.

Submission:

Ambry Genetics
Classification: Uncertain significance. Last evaluated: 2024-10-04. Review status: criteria provided, single submitter. Criteria: Ambry Variant Classification Scheme 2023. Collection method: clinical testing. Allele origin: germline.
Comment: The p.H1320Y variant (also known as c.3958C>T), located in coding exon 14 of the CDK12 gene, results from a C to T substitution at nucleotide position 3958. The histidine at codon 1320 is replaced by tyrosine, an amino acid with similar properties. This amino acid position is conserved. In addition, this alteration is predicted to be tolerated by in silico analysis. Based on the available evidence, the clinical significance of this variant remains unclear.

NM_016507.4(CDK12):c.3958C>T (p.His1320Tyr)

Gene: CDK12 (cyclin dependent kinase 12; plus strand). Cytogenetic location: 17q12.
Variant type: single nucleotide variant.
Coding change: c.3958C>T on transcript NM_016507.4 (MANE Select); coding-DNA position 3958, C replaced by T.
Protein change: p.His1320Tyr; replaces histidine 1320 with tyrosine.
Molecular consequence: missense variant.
Genome position (GRCh38, 1-based): chr17:39,530,801, C>T. VCF-style: chr17-39530801-C-T. GRCh37 (hg19) VCF-style: chr17-37687054-C-T.
Other names: c.3931C>T, p.His1311Tyr (NM_015083.4); short protein forms H1311Y, H1320Y.
Identifiers: ClinVar variation 3489168 (VCV003489168.1).